The following is an entry in ClinVar:

NM_003098.3(SNTA1):c.377C>T (p.Thr126Ile)

Gene: SNTA1 (syntrophin alpha 1; minus strand). Cytogenetic location: 20q11.21.
Variant type: single nucleotide variant.
Coding change: c.377C>T on transcript NM_003098.3 (MANE Select); coding-DNA position 377, C replaced by T.
Protein change: p.Thr126Ile; replaces threonine 126 with isoleucine.
Molecular consequence: missense variant.
Genome position (GRCh38, 1-based): chr20:33,438,960, G>A on the plus strand (C>T on the coding strand, the complement: SNTA1 is on the minus strand). VCF-style: chr20-33438960-G-A. GRCh37 (hg19) VCF-style: chr20-32026766-G-A.
Other names: short protein forms T126I.
Identifiers: ClinVar variation 1734835 (VCV001734835.3), dbSNP rs1186334279, ClinGen allele CA408633539.

ClinVar aggregate classification (germline): Uncertain significance (1 of 4 stars; one submission).

Conditions:
Cardiovascular phenotype. Identifiers: MedGen CN230736.

Allele frequency attached by ClinVar (database versions not stated): gnomAD 0.00001; gnomAD exomes below 0.00001; TOPMed 0.00002.
gnomAD v4.1: 4 of 1,614,070 alleles (0.00025%); highest among the groups gnomAD compares: Non-Finnish European, 0.00034%; no homozygotes.

Submission:

Ambry Genetics
Classification: Uncertain significance for Cardiovascular phenotype. Last evaluated: 2025-05-24. Review status: criteria provided, single submitter. Criteria: Ambry Variant Classification Scheme 2023. Collection method: clinical testing. Allele origin: germline.
Comment: The p.T126I variant (also known as c.377C>T), located in coding exon 2 of the SNTA1 gene, results from a C to T substitution at nucleotide position 377. The threonine at codon 126 is replaced by isoleucine, an amino acid with similar properties. This amino acid position is conserved. In addition, the in silico prediction for this alteration is inconclusive. Since supporting evidence is limited at this time, the clinical significance of this alteration remains unclear.